The following is an entry in ClinVar:

ClinVar aggregate classification (germline): Benign/Likely benign. Review status: criteria provided, multiple submitters, no conflicts (2 of 4 stars). 4 submissions from 4 submitters: Benign (1); Likely benign (3). Last evaluated 2025-12-10.

Conditions:
Melnick-Fraser syndrome (BOR). Also called: Branchio-oto-renal syndrome; Branchiootorenal Syndrome (BORS); Branchiootorenal syndrome. Identifiers: Orphanet 107, MedGen C0265234, MONDO:0007029.
Branchiootorenal syndrome 1. Also called: Branchio-Oto-Renal Syndrome 1. Identifiers: Orphanet 107, MedGen C4551702, MONDO:0007236, OMIM 113650.
Otofaciocervical syndrome 1 (OTFCS). Identifiers: MedGen C3714941, MONDO:0024532, OMIM 166780.
Branchiootic syndrome 1 (BOS1). Also called: BO SYNDROME 1; BRANCHIOOTIC DYSPLASIA. Identifiers: MedGen C1865143, MONDO:0011258, OMIM 602588.

Allele frequency attached by ClinVar (database versions not stated): gnomAD exomes 0.00002; ExAC 0.00004; TOPMed 0.00006; gnomAD 0.00007 and 0.00009; 1000 Genomes Project 30x 0.00016; 1000 Genomes Project 0.00020.
gnomAD v4.1: 79 of 1,613,510 alleles (0.0049%); highest among the groups gnomAD compares: African/African-American, 0.059%; 2 homozygotes.

Submissions (4):

Labcorp Genetics (formerly Invitae), Labcorp
Classification: Benign for Melnick-Fraser syndrome. Last evaluated: 2025-12-10. Review status: criteria provided, single submitter. Criteria: Invitae Variant Classification Sherloc (09022015). Collection method: clinical testing. Allele origin: germline.

Fulgent Genetics
Classification: Likely benign for Branchiootorenal syndrome 1; Otofaciocervical syndrome 1; Branchiootic syndrome 1. Last evaluated: 2022-01-13. Review status: criteria provided, single submitter. Criteria: ACMG Guidelines, 2015. Collection method: clinical testing. Allele origin: unknown.

GeneDx
Classification: Likely benign. Last evaluated: 2020-08-25. Review status: criteria provided, single submitter. Criteria: GeneDx Variant Classification Process June 2021. Collection method: clinical testing. Allele origin: germline. Affected: yes.

Laboratory for Molecular Medicine, Mass General Brigham Personalized Medicine
Classification: Likely benign. Last evaluated: 2012-04-30. Review status: criteria provided, single submitter. Criteria: LMM Criteria. Collection method: clinical testing. Allele origin: germline. Observed: 1 variant allele.
Comment: p.Ala459Ala in Exon 14 of EYA1: This variant is not expected to have clinical si gnificance because it does not alter an amino acid residue and is not located wi thin the splice consensus sequence. It has been identified in 4/10294 of African chromosomes by the Exome Aggregation Consortium (ExAC; dbSNP rs112593082).

NM_000503.6(EYA1):c.1377T>A (p.Ala459=)

Gene: EYA1 (EYA transcriptional coactivator and phosphatase 1; minus strand). Cytogenetic location: 8q13.3.
Variant type: single nucleotide variant.
Coding change: c.1377T>A on transcript NM_000503.6 (MANE Select); coding-DNA position 1377, T replaced by A.
Protein change: p.Ala459=; no amino-acid change (alanine 459 retained).
Molecular consequence: synonymous variant.
Genome position (GRCh38, 1-based): chr8:71,215,712, A>T on the plus strand (T>A on the coding strand, the complement: EYA1 is on the minus strand). VCF-style: chr8-71215712-A-T. GRCh37 (hg19) VCF-style: chr8-72127947-A-T.
Other names: c.1359T>A, p.Ala453= (NM_001288574.2, NM_172059.5); c.1011T>A, p.Ala337= (NM_001288575.2); c.1464T>A, p.Ala488= (NM_001370333.1); c.1377T>A, p.Ala459= (NM_001370334.1, NM_001370335.1, NM_172058.4); c.1356T>A, p.Ala452= (NM_001370336.1).
Identifiers: ClinVar variation 227367 (VCV000227367.11), dbSNP rs112593082, ClinGen allele CA4779477.
Genomic context (GRCh38, chr8:71,215,712, plus strand): 5'-CAACCAGGAGTCGGTCAGGGCTTCAATTTCGGCCCTCAACTGCAGCCAGGCTTCCCTCTT[A>T]GCTGGACCAAGCAGACCTGAGGATTTAAAAGCACATGATGAACTACTTCCTGACCAACAT-3'
Protein context (NP_000494.2, residues 449-469): KNNVGGLLGP[Ala459=]KREAWLQLRA